The following is an entry in ClinVar:

ClinVar aggregate classification (germline): Pathogenic (1 of 4 stars; one submission).

Conditions:
Cholestasis, progressive familial intrahepatic, 4. Identifiers: Orphanet 480483, Orphanet 79304, MedGen C2931067, MONDO:0014381, OMIM 615878.

Allele frequency attached by ClinVar (database versions not stated): TOPMed below 0.00001; gnomAD 0.00001.
gnomAD v4.1: 1 of 1,613,424 alleles (0.000062%); highest among the groups gnomAD compares: Non-Finnish European, 0.000085%; no homozygotes.

Submission:

Victorian Clinical Genetics Services, Murdoch Childrens Research Institute
Classification: Pathogenic for Cholestasis, progressive familial intrahepatic, 4. Last evaluated: 2024-10-09. Review status: criteria provided, single submitter. Criteria: ACMG Guidelines, 2015. Collection method: clinical testing. Allele origin: germline. Inheritance: Autosomal recessive inheritance. Affected: yes.
Comment: Based on the classification scheme VCGS_Germline_v1.3.4, this variant is classified as Pathogenic. Following criteria are met: 0102 - Loss of function is a known mechanism of disease in this gene and is associated with cholestasis, progressive familial intrahepatic 4 (MIM#615878) and hypercholanaemia, familial (MIM#607748) (PMID: 24614073). (I) 0106 - This gene is associated with autosomal recessive disease. (I) 0115 - Variants in this gene are known to have variable expressivity in individuals with cholestasis (PMID: 32089630). (I) 0210 - Splice site variant proven to affect splicing of the transcript with a known effect on protein sequence. RNA studies performed on this individual's sample demonstrated two splicing outcomes. Both the intron 18 retention (small increase compared to controls) and use of a cryptic donor site within exon 18, (marked increment compared to controls) leads to a protein product that is expected to undergo nonsense-mediated decay (NMD) p.(Met890Valfs*9). (SP) 0252 - This variant is homozygous. (I) 0304 - Variant is present in gnomAD (v3) <0.01 for a recessive condition (1 heterozygote, 0 homozygotes). (SP) 0701 - Other NMD-predicted variants comparable to the one identified in this case have very strong previous evidence for pathogenicity (DECIPHER). (SP) 0807 - This variant has no previous evidence of pathogenicity. (I) 0905 - No published segregation evidence has been identified for this variant. (I) 1007 - No published functional evidence has been identified for this variant. (I) 1102 - Strong phenotype match for this individual. (SP) 1208 - Inheritance information for this variant is not currently available in this individual. (I) Legend: (SP) - Supporting pathogenic, (I) - Information, (SB) - Supporting benign

Literature cited by the submitters: PubMed 24614073; PubMed 32089630.

NM_004817.4(TJP2):c.2667+3A>G

Gene: TJP2 (tight junction protein 2; plus strand). Cytogenetic location: 9q21.11.
Variant type: single nucleotide variant.
Coding change: c.2667+3A>G on transcript NM_004817.4 (MANE Select); 3 bases into the intron after coding-DNA position 2667, A replaced by G.
Molecular consequence: intron variant.
Genome position (GRCh38, 1-based): chr9:69,246,793, A>G. VCF-style: chr9-69246793-A-G. GRCh37 (hg19) VCF-style: chr9-71861709-A-G.
Other names: c.2598+3A>G (NM_001170414.2, NM_001369871.1); c.2592+3A>G (NM_001369870.1); c.2667+3A>G (NM_201629.3, NM_001369872.1, NM_001369873.1); c.2679+3A>G (NM_001170415.1, NM_001369875.1, NM_001369874.1); c.2760+3A>G (NM_001170416.2).
Identifiers: ClinVar variation 1806010 (VCV001806010.2), dbSNP rs1830959398, ClinGen allele CA1125135873.